The following is an entry in ClinVar:

ClinVar aggregate classification (germline): Likely benign. Review status: criteria provided, multiple submitters, no conflicts (2 of 4 stars). 6 submissions from 6 submitters: Likely benign (5). 1 of the submissions does not count toward it. Last evaluated 2026-03-01.

Conditions:
Hereditary cancer-predisposing syndrome. Also called: Neoplastic Syndromes, Hereditary; Hereditary neoplastic syndrome; Tumor predisposition; Hereditary Cancer Syndrome. Identifiers: Orphanet 140162, MedGen C0027672, MeSH D009386, MONDO:0015356.
POLE-related disorder. Also called: POLE-related condition; POLE-related disorders.

Allele frequency attached by ClinVar (database versions not stated): TOPMed 0.00001; gnomAD 0.00003.
gnomAD v4.1: 20 of 1,587,516 alleles (0.0013%); highest among the groups gnomAD compares: African/African-American, 0.0041%; no homozygotes.

Submissions (6):

CeGaT Center for Human Genetics Tuebingen
Classification: Likely benign. Last evaluated: 2026-03-01. Review status: criteria provided, single submitter. Criteria: CeGaT Center For Human Genetics Tuebingen Variant Classification Criteria Version 2. Collection method: clinical testing. Allele origin: germline. Affected: yes. Observed: 2 variant alleles.
Comment: POLE: BP4, BP7

Labcorp Genetics (formerly Invitae), Labcorp
Classification: Likely benign. Last evaluated: 2026-01-28. Review status: criteria provided, single submitter. Criteria: Invitae Variant Classification Sherloc (09022015). Collection method: clinical testing. Allele origin: germline.

Blueprint Genetics
Classification: Likely benign. Last evaluated: 2020-12-21. Review status: criteria provided, single submitter. Criteria: ACMG Guidelines, 2015. Collection method: clinical testing. Allele origin: germline.

GeneDx
Classification: Likely benign. Last evaluated: 2018-11-29. Review status: criteria provided, single submitter. Criteria: GeneDx Variant Classification Process June 2021. Collection method: clinical testing. Allele origin: germline. Affected: yes.

Ambry Genetics
Classification: Likely benign for Hereditary cancer-predisposing syndrome. Last evaluated: 2015-08-01. Review status: criteria provided, single submitter. Criteria: Ambry Variant Classification Scheme 2023. Collection method: clinical testing. Allele origin: germline.

PreventionGenetics, part of Exact Sciences
Classification: Likely benign for POLE-related condition. Last evaluated: 2023-01-26. Review status: no assertion criteria provided. Collection method: clinical testing. Allele origin: germline. Not counted in ClinVar's aggregate classification.
Comment: This variant is classified as likely benign based on ACMG/AMP sequence variant interpretation guidelines (Richards et al. 2015 PMID: 25741868, with internal and published modifications).

NM_006231.4(POLE):c.2154C>T (p.Tyr718=)

Gene: POLE (DNA polymerase epsilon, catalytic subunit; minus strand). Cytogenetic location: 12q24.33.
Variant type: single nucleotide variant.
Coding change: c.2154C>T on transcript NM_006231.4 (MANE Select); coding-DNA position 2154, C replaced by T.
Protein change: p.Tyr718=; no amino-acid change (tyrosine 718 retained).
Molecular consequence: synonymous variant.
Genome position (GRCh38, 1-based): chr12:132,668,375, G>A on the plus strand (C>T on the coding strand, the complement: POLE is on the minus strand). VCF-style: chr12-132668375-G-A. GRCh37 (hg19) VCF-style: chr12-133244961-G-A.
Identifiers: ClinVar variation 392893 (VCV000392893.25), dbSNP rs1057524685, ClinGen allele CA16606184.
Genomic context (GRCh38, chr12:132,668,375, plus strand): 5'-GAGCCACATCTTTACAGCCGTGACCATGCCCAGGCACTCACCCGCCAGCCTTCTCTTCTC[G>A]TATTTCGCCTGTTCCTCGCGGGACAGTTCATGAAAGGCCCGAGCTGGCCCCTCTGGGAAC-3'
Protein context (NP_006222.2, residues 708-728): HELSREEQAK[Tyr718=]EKRRLADYCR